The following is an entry in ClinVar:

NM_001277313.2(FMN1):c.2044-1909A>G

Gene: FMN1 (formin 1; minus strand). Cytogenetic location: 15q13.3.
Variant type: single nucleotide variant.
Coding change: c.2044-1909A>G on transcript NM_001277313.2 (MANE Select); 1909 bases into the intron before coding-DNA position 2044, A replaced by G.
Molecular consequence: intron variant. On other transcripts: missense variant (1).
Genome position (GRCh38, 1-based): chr15:33,066,983, T>C on the plus strand (A>G on the coding strand, the complement: FMN1 is on the minus strand). VCF-style: chr15-33066983-T-C. GRCh37 (hg19) VCF-style: chr15-33359184-T-C.
Other names: c.902A>G, p.Lys301Arg (NM_001103184.4); short protein forms K301R.
Identifiers: ClinVar variation 4728084 (VCV004728084.1).

ClinVar aggregate classification (germline): Uncertain significance (1 of 4 stars; one submission).

gnomAD v4.1: 2 of 1,613,960 alleles (0.00012%); highest among the groups gnomAD compares: Non-Finnish European, 0.00017%; no homozygotes.

Submission:

Labcorp Genetics (formerly Invitae), Labcorp
Classification: Uncertain significance. Last evaluated: 2025-09-29. Review status: criteria provided, single submitter. Criteria: Invitae Variant Classification Sherloc (09022015). Collection method: clinical testing. Allele origin: germline.
Comment: This sequence change replaces lysine, which is basic and polar, with arginine, which is basic and polar, at codon 301 of the FMN1 protein (p.Lys301Arg). This variant is not present in population databases (gnomAD no frequency). This variant has not been reported in the literature in individuals affected with FMN1-related conditions. Experimental studies and prediction algorithms are not available or were not evaluated, and the functional significance of this variant is currently unknown. In summary, the available evidence is currently insufficient to determine the role of this variant in disease. Therefore, it has been classified as a Variant of Uncertain Significance.